The following is an entry in ClinVar:

ClinVar aggregate classification (germline): Pathogenic (1 of 4 stars; one submission).

Submission:

ISCA Site 6
Classification: Pathogenic. Last evaluated: 2011-08-12. Review status: criteria provided, single submitter. Criteria: Kaminsky et al. (Genet Med. 2011). Collection method: clinical testing. Allele origin: paternal, unknown, maternal. Affected: yes. Observed: 4 variant alleles. Clinical features observed: Developmental delay AND/OR other significant developmental or morphological phenotypes, Muscular hypotonia (HP:0001252), Global developmental delay (HP:0001263), Duodenal atresia (HP:0002247), Syndactyly (HP:0001159), Annular pancreas (HP:0001734).
Comment: Copy number variation identified through the course of routine clinical cytogenomic testing in postnatal populations. Clinical assertions have been curated as described in Kaminsky et al. 2011.

GRCh38/hg38 15q13.2-13.3(chr15:30822844-32149250)x1

Genes: CHRNA7 (cholinergic receptor nicotinic alpha 7 subunit), FAN1 (FANCD2 and FANCI associated nuclease 1; plus strand), KLF13 (KLF transcription factor 13; plus strand), LINC02352 (long intergenic non-protein coding RNA 2352; plus strand), LINC03034 (long intergenic non-protein coding RNA 3034; minus strand) and 20 more. Cytogenetic location: 15q13.2-13.3.
Variant type: copy number loss.
Change: copy number 1 (one copy instead of two) of chr15:30,822,844-32,149,250 (1.33 Mb, GRCh38 coordinates, 1-based), cytogenetic band 15q13.2-13.3.
Identifiers: ClinVar variation 58684 (VCV000058684.2).